The following is an entry in ClinVar:

NM_016553.5(NUP62):c.203C>G (p.Ala68Gly)

Genes: IL4I1 (interleukin 4 induced 1; minus strand), NUP62 (nucleoporin 62; minus strand). Cytogenetic location: 19q13.33.
Variant type: single nucleotide variant.
Coding change: c.203C>G on transcript NM_016553.5 (MANE Select); coding-DNA position 203, C replaced by G.
Protein change: p.Ala68Gly; replaces alanine 68 with glycine.
Molecular consequence: missense variant. On other transcripts: intron variant (3).
Genome position (GRCh38, 1-based): chr19:49,909,605, G>C on the plus strand (C>G on the coding strand, the complement: NUP62 is on the minus strand). VCF-style: chr19-49909605-G-C. GRCh37 (hg19) VCF-style: chr19-50412862-G-C.
Other names: c.203C>G, p.Ala68Gly (NM_001193357.2, NM_012346.5, NM_153718.4 and 1 more transcripts); c.-227-5284C>G (NM_001258017.2, NM_172374.3); c.-285-5284C>G (NM_001258018.2); short protein forms A68G.
Identifiers: ClinVar variation 4706971 (VCV004706971.1).

ClinVar aggregate classification (germline): Uncertain significance (1 of 4 stars; one submission).

gnomAD v4.1: 40 of 1,613,288 alleles (0.0025%); highest among the groups gnomAD compares: African/African-American, 0.051%; no homozygotes.

Submission:

Labcorp Genetics (formerly Invitae), Labcorp
Classification: Uncertain significance. Last evaluated: 2025-11-23. Review status: criteria provided, single submitter. Criteria: Invitae Variant Classification Sherloc (09022015). Collection method: clinical testing. Allele origin: germline.
Comment: This sequence change replaces alanine, which is neutral and non-polar, with glycine, which is neutral and non-polar, at codon 68 of the NUP62 protein (p.Ala68Gly). This variant is present in population databases (rs141139699, gnomAD 0.05%). This variant has not been reported in the literature in individuals affected with NUP62-related conditions. An algorithm developed to predict the effect of missense changes on protein structure and function (PolyPhen-2) suggests that this variant is likely to be tolerated. In summary, the available evidence is currently insufficient to determine the role of this variant in disease. Therefore, it has been classified as a Variant of Uncertain Significance.